The following is an entry in ClinVar:

NM_130837.3(OPA1):c.2857C>T (p.Leu953Phe)

Gene: OPA1 (OPA1 mitochondrial dynamin like GTPase; plus strand). Cytogenetic location: 3q29.
Variant type: single nucleotide variant.
Coding change: c.2857C>T on transcript NM_130837.3 (MANE Select); coding-DNA position 2857, C replaced by T.
Protein change: p.Leu953Phe; replaces leucine 953 with phenylalanine.
Molecular consequence: missense variant.
Genome position (GRCh38, 1-based): chr3:193,666,374, C>T. VCF-style: chr3-193666374-C-T. GRCh37 (hg19) VCF-style: chr3-193384163-C-T.
Other names: c.2323C>T, p.Leu775Phe (NM_001354663.2); c.2320C>T, p.Leu774Phe (NM_001354664.2); c.2692C>T, p.Leu898Phe (NM_015560.3); c.2584C>T, p.Leu862Phe (NM_130831.3); c.2638C>T, p.Leu880Phe (NM_130832.3); c.2695C>T, p.Leu899Phe (NM_130833.3); c.2746C>T, p.Leu916Phe (NM_130834.3); c.2749C>T, p.Leu917Phe (NM_130835.3); and 1 more; short protein forms L862F, L774F, L880F, L898F, L917F, L775F, L916F, L953F.
Identifiers: ClinVar variation 1997332 (VCV001997332.5), dbSNP rs1231786410, ClinGen allele CA355796745.

ClinVar aggregate classification (germline): Uncertain significance. Review status: criteria provided, multiple submitters, no conflicts (2 of 4 stars). 2 submissions from 2 submitters: Uncertain significance (2). Last evaluated 2025-09-10.

Allele frequency attached by ClinVar (database versions not stated): gnomAD 0.00001.
gnomAD v4.1: 6 of 1,613,468 alleles (0.00037%); highest among the groups gnomAD compares: East Asian, 0.0022%; no homozygotes.

Submissions (2):

Labcorp Genetics (formerly Invitae), Labcorp
Classification: Uncertain significance. Last evaluated: 2025-09-10. Review status: criteria provided, single submitter. Criteria: Invitae Variant Classification Sherloc (09022015). Collection method: clinical testing. Allele origin: germline.
Comment: This sequence change replaces leucine, which is neutral and non-polar, with phenylalanine, which is neutral and non-polar, at codon 898 of the OPA1 protein (p.Leu898Phe). This variant is present in population databases (no rsID available, gnomAD 0.06%). This variant has not been reported in the literature in individuals affected with OPA1-related conditions. ClinVar contains an entry for this variant (Variation ID: 1997332). Invitae Evidence Modeling of protein sequence and biophysical properties (such as structural, functional, and spatial information, amino acid conservation, physicochemical variation, residue mobility, and thermodynamic stability) indicates that this missense variant is not expected to disrupt OPA1 protein function with a negative predictive value of 80%. In summary, the available evidence is currently insufficient to determine the role of this variant in disease. Therefore, it has been classified as a Variant of Uncertain Significance.

Blueprint Genetics
Classification: Uncertain significance. Last evaluated: 2024-05-17. Review status: criteria provided, single submitter. Criteria: ACMG Guidelines, 2015. Collection method: clinical testing. Allele origin: germline.